The following is an entry in ClinVar:

NM_006514.4(SCN10A):c.1032G>A (p.Trp344Ter)

Gene: SCN10A (sodium voltage-gated channel alpha subunit 10; minus strand). Cytogenetic location: 3p22.2.
Variant type: single nucleotide variant.
Coding change: c.1032G>A on transcript NM_006514.4 (MANE Select); coding-DNA position 1032, G replaced by A.
Protein change: p.Trp344Ter; replaces tryptophan 344 with a stop codon.
Molecular consequence: nonsense.
Genome position (GRCh38, 1-based): chr3:38,757,078, C>T on the plus strand (G>A on the coding strand, the complement: SCN10A is on the minus strand). VCF-style: chr3-38757078-C-T. GRCh37 (hg19) VCF-style: chr3-38798569-C-T.
Other names: c.1032G>A (NM_006514.2); c.1032G>A, p.Trp344Ter (NM_001293306.2, NM_001293307.2); short protein forms W344*.
Identifiers: ClinVar variation 2077413 (VCV002077413.5), dbSNP rs757382094, ClinGen allele CA2320993.
Genomic context (GRCh38, chr3:38,757,078, plus strand): 5'-CTGCTGGTAGAGGCGTTCCCAGGAATCCTGTGTCATGAGGCGGAACAGTGAGAGGAAAGC[C>T]CAAGCAAAGGAATCAAAGCTGGTGTAGTTAAAATCCGGGTTGTCAGAAGTTTTAAGGCAG-3'

ClinVar aggregate classification (germline): Uncertain significance. Review status: criteria provided, multiple submitters, no conflicts (2 of 4 stars). 2 submissions from 2 submitters: Uncertain significance (2). Last evaluated 2026-03-17.

Conditions:
Cardiovascular phenotype. Identifiers: MedGen CN230736.
Brugada syndrome. Also called: Sudden unexpected nocturnal death syndrome; Sudden unexplained nocturnal death syndrome; Sudden Unexplained Death Syndrome; Sudden Unexplained Nocturnal Death Syndrome (SUNDS). Identifiers: Orphanet 130, MedGen C1142166, MONDO:0015263.

Allele frequency attached by ClinVar (database versions not stated): TOPMed below 0.00001; ExAC 0.00001.
gnomAD v4.1: 3 of 1,613,802 alleles (0.00019%); highest among the groups gnomAD compares: Admixed American, 0.005%; no homozygotes.

Submissions (2):

Ambry Genetics
Classification: Uncertain significance for Cardiovascular phenotype. Last evaluated: 2026-03-17. Review status: criteria provided, single submitter. Criteria: Ambry Variant Classification Scheme 2023. Collection method: clinical testing. Allele origin: germline.
Comment: The p.W344* variant (also known as c.1032G>A), located in coding exon 8 of the SCN10A gene, results from a G to A substitution at nucleotide position 1032. This changes the amino acid from a tryptophan to a stop codon within coding exon 8. Based on data from gnomAD, the frequency for this variant is above the maximum credible frequency for a familial episodic pain syndrome-causing variant in this gene based on internally established thresholds (Karczewski et al. Nature. 2020 May;581(7809):434-443; Whiffin et al. Genet Med. 2017 10;19:1151-1158). This variant is expected to result in protein truncation or nonsense-mediated mRNA decay. However, loss of function has not been established as a mechanism of disease. The evidence for this gene-disease relationship is limited; therefore, the clinical significance of this variant is unclear for cardiac arrhythmia; however, it is unlikely to be causative of familial episodic pain syndrome.

Labcorp Genetics (formerly Invitae), Labcorp
Classification: Uncertain significance for Brugada syndrome. Last evaluated: 2025-04-02. Review status: criteria provided, single submitter. Criteria: Invitae Variant Classification Sherloc (09022015). Collection method: clinical testing. Allele origin: germline.
Comment: This sequence change creates a premature translational stop signal (p.Trp344*) in the SCN10A gene. It is expected to result in an absent or disrupted protein product. However, the current clinical and genetic evidence is not sufficient to establish whether loss-of-function variants in SCN10A cause disease. This variant is present in population databases (rs757382094, gnomAD 0.01%). This variant has not been reported in the literature in individuals affected with SCN10A-related conditions. ClinVar contains an entry for this variant (Variation ID: 2077413). Algorithms developed to predict the effect of sequence changes on RNA splicing suggest that this variant may disrupt the consensus splice site. In summary, the available evidence is currently insufficient to determine the role of this variant in disease. Therefore, it has been classified as a Variant of Uncertain Significance.